The following is an entry in ClinVar:

ClinVar aggregate classification (germline): Benign. Review status: criteria provided, multiple submitters, no conflicts (2 of 4 stars). 2 submissions from 2 submitters: Benign (2). Last evaluated 2022-10-01.

Allele frequency attached by ClinVar (database versions not stated): ESP Exome Variant Server 0.00008; gnomAD 0.00022; TOPMed 0.00037; 1000 Genomes Project 0.00140; 1000 Genomes Project 30x 0.00141.
gnomAD v4.1: 1,546 of 1,613,538 alleles (0.096%); highest among the groups gnomAD compares: South Asian, 1.3%; 23 homozygotes.

Submissions (2):

CeGaT Center for Human Genetics Tuebingen
Classification: Benign. Last evaluated: 2022-10-01. Review status: criteria provided, single submitter. Criteria: CeGaT Center For Human Genetics Tuebingen Variant Classification Criteria Version 2. Collection method: clinical testing. Allele origin: germline. Affected: yes. Observed: 1 variant allele.
Comment: KYNU: BP4, BS1, BS2

Labcorp Genetics (formerly Invitae), Labcorp
Classification: Benign. Last evaluated: 2018-09-19. Review status: criteria provided, single submitter. Criteria: Invitae Variant Classification Sherloc (09022015). Collection method: clinical testing. Allele origin: germline.

NM_003937.3(KYNU):c.74C>T (p.Thr25Met)

Gene: KYNU (kynureninase; plus strand). Cytogenetic location: 2q22.2.
Variant type: single nucleotide variant.
Coding change: c.74C>T on transcript NM_003937.3 (MANE Select); coding-DNA position 74, C replaced by T.
Protein change: p.Thr25Met; replaces threonine 25 with methionine.
Molecular consequence: missense variant.
Genome position (GRCh38, 1-based): chr2:142,885,441, C>T. VCF-style: chr2-142885441-C-T. GRCh37 (hg19) VCF-style: chr2-143643010-C-T.
Other names: c.74C>T, p.Thr25Met (NM_001032998.2, NM_001199241.2); short protein forms T25M.
Identifiers: ClinVar variation 789880 (VCV000789880.27), dbSNP rs199895914, ClinGen allele CA1896525.
Genomic context (GRCh38, chr2:142,885,441, plus strand): 5'-CTCTTGAGCTGCCGGCTGACACAGTGCAGCGCATTGCGGCTGAACTCAAATGCCACCCAA[C>T]GGATGAGAGGGTGGCTCTCCACCTAGATGAGGAAGATAAGCTGAGGCACTTCAGGGAGTG-3'
Protein context (NP_003928.1, residues 15-35): RIAAELKCHP[Thr25Met]DERVALHLDE